The following is an entry in ClinVar:

NM_007294.4(BRCA1):c.3257_3258insTTGC (p.Leu1086fs)

Genes: BRCA1 (BRCA1 DNA repair associated; minus strand), LOC126862571 (BRD4-independent group 4 enhancer GRCh37_chr17:41243136-41244335; plus strand). Cytogenetic location: 17q21.31.
Variant type: Insertion.
Coding change: c.3257_3258insTTGC on transcript NM_007294.4 (MANE Select); coding-DNA positions 3257 to 3258, TTGC inserted.
Protein change: p.Leu1086fs; shifts the reading frame from leucine 1086.
Molecular consequence: frameshift variant. On other transcripts: intron variant (137).
Genome position: GRCh38 VCF-style: chr17-43092273-T-TGCAA. GRCh37 (hg19) VCF-style: chr17-41244290-T-TGCAA.
Other names: c.3257_3258insTTGC, p.Leu1086fs (NM_001407597.1, NM_001407598.1, NM_001407602.1 and 30 more transcripts); c.3254_3255insTTGC, p.Leu1085fs (NM_001407610.1, NM_001407611.1, NM_001407612.1 and 22 more transcripts); c.3044_3045insTTGC, p.Leu1015fs (NM_001407571.1, NM_001407853.1, NM_001407894.1 and 9 more transcripts); c.3248_3249insTTGC, p.Leu1083fs (NM_001407646.1, NM_001407647.1); c.3134_3135insTTGC, p.Leu1045fs (NM_001407648.1, NM_001407664.1, NM_001407665.1 and 19 more transcripts); c.3131_3132insTTGC, p.Leu1044fs (NM_001407649.1, NM_001407670.1, NM_001407671.1 and 11 more transcripts); c.3179_3180insTTGC, p.Leu1060fs (NM_001407653.1, NM_001407654.1, NM_001407655.1 and 4 more transcripts); c.3176_3177insTTGC, p.Leu1059fs (NM_001407659.1, NM_001407660.1, NM_001407661.1 and 1 more transcripts); and 41 more; short protein forms L1039fs, L1086fs, L1038fs, L1044fs, L1045fs, L1085fs, L974fs, L1015fs.
Identifiers: ClinVar variation 1071122 (VCV001071122.9), dbSNP rs1555588074, ClinGen allele CA2499224476.

ClinVar aggregate classification (germline): Pathogenic. Review status: criteria provided, multiple submitters, no conflicts (2 of 4 stars). 2 submissions from 2 submitters: Pathogenic (2). Last evaluated 2024-09-14.

Conditions:
Hereditary breast ovarian cancer syndrome. Also called: Hereditary breast and ovarian cancer syndrome (HBOC); Hereditary breast and/or ovarian cancer syndrome; Hereditary breast and ovarian cancer; BRCA1- and BRCA2-Associated Hereditary Breast and Ovarian Cancer; Hereditary breast and ovarian cancer syndrome; Breast and ovarian cancer. Identifiers: Orphanet 145, MedGen C0677776, MeSH D061325, MONDO:0003582. Disease mechanism: loss of function.
Hereditary cancer-predisposing syndrome. Also called: Tumor predisposition; Hereditary neoplastic syndrome; Neoplastic Syndromes, Hereditary; Hereditary Cancer Syndrome. Identifiers: Orphanet 140162, MedGen C0027672, MeSH D009386, MONDO:0015356.

Submissions (2):

Ambry Genetics
Classification: Pathogenic for Hereditary cancer-predisposing syndrome. Last evaluated: 2024-09-14. Review status: criteria provided, single submitter. Criteria: Ambry Variant Classification Scheme 2023. Collection method: clinical testing. Allele origin: germline.
Comment: The c.3257_3258insTTGC pathogenic mutation, located in coding exon 9 of the BRCA1 gene, results from an insertion of 4 nucleotides at position 3257, causing a translational frameshift with a predicted alternate stop codon (p.L1086Ffs*8). This variant is considered to be rare based on population cohorts in the Genome Aggregation Database (gnomAD). This alteration is expected to result in loss of function by premature protein truncation or nonsense-mediated mRNA decay. As such, this alteration is interpreted as a disease-causing mutation.

Labcorp Genetics (formerly Invitae), Labcorp
Classification: Pathogenic for Hereditary breast ovarian cancer syndrome. Last evaluated: 2023-04-06. Review status: criteria provided, single submitter. Criteria: Invitae Variant Classification Sherloc (09022015). Collection method: clinical testing. Allele origin: germline.
Comment: This sequence change creates a premature translational stop signal (p.Leu1086Phefs*8) in the BRCA1 gene. It is expected to result in an absent or disrupted protein product. Loss-of-function variants in BRCA1 are known to be pathogenic (PMID: 20104584). This variant is not present in population databases (gnomAD no frequency). This variant has not been reported in the literature in individuals affected with BRCA1-related conditions. ClinVar contains an entry for this variant (Variation ID: 1071122). For these reasons, this variant has been classified as Pathogenic.

Literature cited by the submitters: PubMed 20104584 (cited by Labcorp Genetics (formerly Invitae), Labcorp).